The following is an entry in ClinVar:

NM_000133.4(F9):c.*687G>A

Gene: F9 (coagulation factor IX; plus strand). Cytogenetic location: Xq27.1.
Variant type: single nucleotide variant.
Coding change: c.*687G>A on transcript NM_000133.4 (MANE Select); 687 bases downstream of the stop codon, G replaced by A.
Molecular consequence: 3 prime UTR variant.
Genome position (GRCh38, 1-based): chrX:139,562,758, G>A. VCF-style: chrX-139562758-G-A. GRCh37 (hg19) VCF-style: chrX-138644917-G-A.
Other names: c.*687G>A (NM_001313913.2).
Identifiers: ClinVar variation 368010 (VCV000368010.6), dbSNP rs440051, ClinGen allele CA10654271.

ClinVar aggregate classification (germline): Benign. Review status: criteria provided, multiple submitters, no conflicts (2 of 4 stars). 2 submissions from 2 submitters: Benign (2). Last evaluated 2017-04-27.

Conditions:
Hereditary factor IX deficiency disease (HEMB). Also called: F9 DEFICIENCY; FACTOR IX DEFICIENCY; PLASMA THROMBOPLASTIN COMPONENT DEFICIENCY; Hemophilia B; Christmas Disease. Identifiers: Orphanet 98879, MedGen C0008533, MeSH D002836, MONDO:0010604, OMIM 306900.

Allele frequency attached by ClinVar (database versions not stated): 1000 Genomes Project 0.16371; 1000 Genomes Project 30x 0.16857; TOPMed 0.23294; gnomAD 0.23313 and 0.24153.

Submissions (2):

Illumina Laboratory Services, Illumina
Classification: Benign for Hereditary factor IX deficiency disease. Last evaluated: 2017-04-27. Review status: criteria provided, single submitter. Criteria: ICSL Variant Classification Criteria 13 December 2019. Collection method: clinical testing. Allele origin: germline.
Comment: This variant was observed as part of a predisposition screen in an ostensibly healthy population. A literature search was performed for the gene, cDNA change, and amino acid change (where applicable). No publications were found based on this search. Allele frequency data from public databases was too high to be consistent with this variant causing disease. Therefore, this variant is classified as benign.

Breakthrough Genomics
Classification: Benign. Review status: criteria provided, single submitter. Criteria: ACMG Guidelines, 2015. Collection method: not provided. Allele origin: germline. Inheritance: X-linked inheritance. Affected: yes.